The following is an entry in ClinVar:

ClinVar aggregate classification (germline): Uncertain significance (1 of 4 stars; one submission).

Conditions:
Hypertrophic cardiomyopathy. Also called: HYPERTROPHIC MYOCARDIOPATHY. Identifiers: Orphanet 217569, MedGen C0007194, MeSH D002312, MONDO:0005045, HP:0001639.

Submission:

Labcorp Genetics (formerly Invitae), Labcorp
Classification: Uncertain significance for Hypertrophic cardiomyopathy. Last evaluated: 2022-03-23. Review status: criteria provided, single submitter. Criteria: Invitae Variant Classification Sherloc (09022015). Collection method: clinical testing. Allele origin: germline.
Comment: In summary, the available evidence is currently insufficient to determine the role of this variant in disease. Therefore, it has been classified as a Variant of Uncertain Significance. Experimental studies and prediction algorithms are not available or were not evaluated, and the functional significance of this variant is currently unknown. This variant has not been reported in the literature in individuals affected with JPH2-related conditions. This variant is not present in population databases (gnomAD no frequency). This variant, c.1359_1388del, results in the deletion of 10 amino acid(s) of the JPH2 protein (p.Asp454_Pro463del), but otherwise preserves the integrity of the reading frame.

NM_020433.5(JPH2):c.1359_1388del (p.Asp454_Pro463del)

Gene: JPH2 (junctophilin 2; minus strand). Cytogenetic location: 20q13.12.
Variant type: Deletion.
Coding change: c.1359_1388del on transcript NM_020433.5 (MANE Select); coding-DNA positions 1359 to 1388, 30 bases deleted (CGACCGGGGCGCCGGCGCAGCGGGCCTCCC).
Protein change: p.Asp454_Pro463del.
Molecular consequence: inframe deletion.
Genome position (GRCh38, 1-based): chr20:44,116,287-44,116,316, GGGAGGCCCGCTGCGCCGGCGCCCCGGTCG deleted on the plus strand (CGACCGGGGCGCCGGCGCAGCGGGCCTCCC on the coding strand, the reverse complement: JPH2 is on the minus strand); deleting any 30 consecutive bases within chr20:44,116,287-44,116,319 gives the same sequence; the c. name uses the placement nearest the transcript's 3' end. VCF-style (leftmost placement, unchanged base first): chr20-44116286-TGGGAGGCCCGCTGCGCCGGCGCCCCGGTCG-T. GRCh37 (hg19) VCF-style: chr20-42744926-TGGGAGGCCCGCTGCGCCGGCGCCCCGGTCG-T.
Identifiers: ClinVar variation 1419523 (VCV001419523.8), dbSNP rs2145838837, ClinGen allele CA2573157093.